The following is an entry in ClinVar:

ClinVar aggregate classification (germline): Uncertain significance. Review status: criteria provided, multiple submitters, no conflicts (2 of 4 stars). 2 submissions from 2 submitters: Uncertain significance (2). Last evaluated 2025-05-11.

Conditions:
Cardiomyopathy (CMYO). Also called: Cardiomyopathies. Identifiers: Orphanet 167848, MedGen C0878544, MONDO:0004994, HP:0001638. Inheritance: Various modes of inheritance.
Arrhythmogenic right ventricular dysplasia 11. Also called: Arrhythmogenic right ventricular dysplasia 11 with mild palmoplantar keratoderma and woolly hair; Arrhythmogenic Right Ventricular Dysplasia/Cardiomyopathy11; ARRHYTHMOGENIC RIGHT VENTRICULAR DYSPLASIA, FAMILIAL, 11. Identifiers: MedGen C1864850, MONDO:0012506, OMIM 610476.

Allele frequency attached by ClinVar (database versions not stated): gnomAD exomes below 0.00001; gnomAD 0.00001; TOPMed 0.00001.
gnomAD v4.1: 3 of 1,613,872 alleles (0.00019%); highest among the groups gnomAD compares: Admixed American, 0.0017%; no homozygotes.

Submissions (2):

Labcorp Genetics (formerly Invitae), Labcorp
Classification: Uncertain significance for Arrhythmogenic right ventricular dysplasia 11. Last evaluated: 2025-05-11. Review status: criteria provided, single submitter. Criteria: Invitae Variant Classification Sherloc (09022015). Collection method: clinical testing. Allele origin: germline.
Comment: This sequence change replaces glutamic acid, which is acidic and polar, with lysine, which is basic and polar, at codon 674 of the DSC2 protein (p.Glu674Lys). This variant is present in population databases (no rsID available, gnomAD 0.007%). This variant has not been reported in the literature in individuals affected with DSC2-related conditions. ClinVar contains an entry for this variant (Variation ID: 630557). Invitae Evidence Modeling of protein sequence and biophysical properties (such as structural, functional, and spatial information, amino acid conservation, physicochemical variation, residue mobility, and thermodynamic stability) indicates that this missense variant is not expected to disrupt DSC2 protein function with a negative predictive value of 80%. In summary, the available evidence is currently insufficient to determine the role of this variant in disease. Therefore, it has been classified as a Variant of Uncertain Significance.

Color Diagnostics, LLC DBA Color Health
Classification: Uncertain significance for Cardiomyopathy. Last evaluated: 2024-03-06. Review status: criteria provided, single submitter. Criteria: ACMG Guidelines, 2015. Collection method: clinical testing. Allele origin: germline.
Comment: This missense variant replaces glutamic acid with lysine at codon 674 of the DSC2 protein. Computational prediction suggests that this variant may not impact protein structure and function (internally defined REVEL score threshold <= 0.5, PMID: 27666373). To our knowledge, functional studies have not been reported for this variant. This variant has not been reported in individuals affected with cardiovascular disorders in the literature. This variant has been identified in 1/31392 chromosomes in the general population by the Genome Aggregation Database (gnomAD). The available evidence is insufficient to determine the role of this variant in disease conclusively. Therefore, this variant is classified as a Variant of Uncertain Significance.

NM_024422.6(DSC2):c.2020G>A (p.Glu674Lys)

Gene: DSC2 (desmocollin 2; minus strand). Cytogenetic location: 18q12.1.
Variant type: single nucleotide variant.
Coding change: c.2020G>A on transcript NM_024422.6 (MANE Select); coding-DNA position 2020, G replaced by A.
Protein change: p.Glu674Lys; replaces glutamic acid 674 with lysine.
Molecular consequence: missense variant.
Genome position (GRCh38, 1-based): chr18:31,071,710, C>T on the plus strand (G>A on the coding strand, the complement: DSC2 is on the minus strand). VCF-style: chr18-31071710-C-T. GRCh37 (hg19) VCF-style: chr18-28651676-C-T.
Other names: c.2020G>A, p.Glu674Lys (NM_004949.5); short protein forms E674K.
Identifiers: ClinVar variation 630557 (VCV000630557.6), dbSNP rs1483383737, ClinGen allele CA402113110.